The following is an entry in ClinVar:

NM_001048174.2(MUTYH):c.340G>C (p.Val114Leu)

Gene: MUTYH (mutY DNA glycosylase; minus strand). Cytogenetic location: 1p34.1.
Variant type: single nucleotide variant.
Coding change: c.340G>C on transcript NM_001048174.2 (MANE Select); coding-DNA position 340, G replaced by C.
Protein change: p.Val114Leu; replaces valine 114 with leucine.
Molecular consequence: missense variant. On other transcripts: non-coding transcript variant (1), intron variant (2).
Genome position (GRCh38, 1-based): chr1:45,333,135, C>G on the plus strand (G>C on the coding strand, the complement: MUTYH is on the minus strand). VCF-style: chr1-45333135-C-G. GRCh37 (hg19) VCF-style: chr1-45798807-C-G.
Other names: c.340G>C, p.Val114Leu (NM_001048171.2, NM_001048173.2, NM_001293195.2 and 6 more transcripts); c.343G>C, p.Val115Leu (NM_001048172.2, NM_001407071.1, NM_001407078.1 and 2 more transcripts); c.424G>C, p.Val142Leu (NM_001128425.2); c.385G>C, p.Val129Leu (NM_001293190.2); c.373G>C, p.Val125Leu (NM_001293191.2, NM_001407077.1); c.64G>C, p.Val22Leu (NM_001293192.2, NM_001293196.2, NM_001407091.1); c.415G>C, p.Val139Leu (NM_001407069.1, NM_012222.3); c.382G>C, p.Val128Leu (NM_001407073.1, NM_001407083.1, NM_001407085.1); and 3 more; short protein forms V115L, V125L, V22L, V114L, V121L, V86L, V128L, V129L.
Identifiers: ClinVar variation 2104610 (VCV002104610.5), dbSNP rs1454101217, ClinGen allele CA340136144.

ClinVar aggregate classification (germline): Uncertain significance. Review status: criteria provided, multiple submitters, no conflicts (2 of 4 stars). 2 submissions from 2 submitters: Uncertain significance (2). Last evaluated 2024-05-29.

Conditions:
Hereditary cancer-predisposing syndrome. Also called: Neoplastic Syndromes, Hereditary; Tumor predisposition; Hereditary Cancer Syndrome; Hereditary neoplastic syndrome. Identifiers: Orphanet 140162, MedGen C0027672, MeSH D009386, MONDO:0015356.
Familial adenomatous polyposis 2. Also called: MUTYH Polyposis; COLORECTAL ADENOMATOUS POLYPOSIS, AUTOSOMAL RECESSIVE; ADENOMAS, MULTIPLE COLORECTAL, AUTOSOMAL RECESSIVE; MUTYH-associated polyposis; MYH-associated polyposis; MUTYH-related attenuated familial adenomatous polyposis. Identifiers: Orphanet 220460, Orphanet 247798, MedGen C3272841, MONDO:0012041, OMIM 608456.

Submissions (2):

Labcorp Genetics (formerly Invitae), Labcorp
Classification: Uncertain significance for Familial adenomatous polyposis 2. Last evaluated: 2024-05-29. Review status: criteria provided, single submitter. Criteria: Invitae Variant Classification Sherloc (09022015). Collection method: clinical testing. Allele origin: germline.
Comment: This sequence change replaces valine, which is neutral and non-polar, with leucine, which is neutral and non-polar, at codon 142 of the MUTYH protein (p.Val142Leu). This variant is not present in population databases (gnomAD no frequency). This variant has not been reported in the literature in individuals affected with MUTYH-related conditions. ClinVar contains an entry for this variant (Variation ID: 2104610). An algorithm developed to predict the effect of missense changes on protein structure and function (PolyPhen-2) suggests that this variant is likely to be disruptive. In summary, the available evidence is currently insufficient to determine the role of this variant in disease. Therefore, it has been classified as a Variant of Uncertain Significance.

Color Diagnostics, LLC DBA Color Health
Classification: Uncertain significance for Hereditary cancer-predisposing syndrome. Last evaluated: 2022-09-12. Review status: criteria provided, single submitter. Criteria: ACMG Guidelines, 2015. Collection method: clinical testing. Allele origin: germline.
Comment: This missense variant replaces valine with leucine at codon 142 of the MUTYH protein. Computational prediction suggests that this variant may have deleterious impact on protein structure and function (internally defined REVEL score threshold >= 0.7, PMID: 27666373). To our knowledge, functional studies have not been reported for this variant. This variant has not been reported in individuals affected with hereditary cancer in the literature. This variant has not been identified in the general population by the Genome Aggregation Database (gnomAD). The available evidence is insufficient to determine the role of this variant in disease conclusively. Therefore, this variant is classified as a Variant of Uncertain Significance.